The following is an entry in ClinVar:

ClinVar aggregate classification (germline): Uncertain significance (1 of 4 stars; one submission).

Submission:

CeGaT Center for Human Genetics Tuebingen
Classification: Uncertain significance. Last evaluated: 2023-05-01. Review status: criteria provided, single submitter. Criteria: CeGaT Center For Human Genetics Tuebingen Variant Classification Criteria Version 2. Collection method: clinical testing. Allele origin: germline. Affected: yes. Observed: 1 variant allele.
Comment: DVL3: PM2

NM_004423.4(DVL3):c.1359C>G (p.His453Gln)

Gene: DVL3 (dishevelled segment polarity protein 3; plus strand). Cytogenetic location: 3q27.1.
Variant type: single nucleotide variant.
Coding change: c.1359C>G on transcript NM_004423.4 (MANE Select); coding-DNA position 1359, C replaced by G.
Protein change: p.His453Gln; replaces histidine 453 with glutamine.
Molecular consequence: missense variant.
Genome position (GRCh38, 1-based): chr3:184,167,926, C>G. VCF-style: chr3-184167926-C-G. GRCh37 (hg19) VCF-style: chr3-183885714-C-G.
Other names: short protein forms H453Q.
Identifiers: ClinVar variation 2654307 (VCV002654307.24), dbSNP rs2473702630, ClinGen allele CA355412023.
Genomic context (GRCh38, chr3:184,167,926, plus strand): 5'-GCCTCCCCATCAACTGGCAGCCTTGTCCCCAGGCTCAGATGTGGTGGACTGGCTGTACCA[C>G]AATGTGGAAGGCTTCACGGACCGGAGGGAGGCCCGCAAGTATGCCAGCAACCTGCTGAAA-3'
Protein context (NP_004414.3, residues 443-463): IGSDVVDWLY[His453Gln]NVEGFTDRRE